The following is an entry in ClinVar:

NM_001142.2(AMELX):c.143del (p.Pro48fs)

Genes: AMELX (amelogenin X-linked; plus strand), ARHGAP6 (Rho GTPase activating protein 6; minus strand). Cytogenetic location: Xp22.2.
Variant type: Deletion.
Coding change: c.143del on transcript NM_001142.2 (MANE Select); coding-DNA position 143, one base deleted (C; older notation c.143delC).
Protein change: p.Pro48fs; shifts the reading frame from proline 48.
Molecular consequence: frameshift variant. On other transcripts: intron variant (3).
Genome position (GRCh38, 1-based): chrX:11,298,276, C deleted; the last of 2 consecutive C bases (chrX:11,298,275-11,298,276); deleting either gives the same sequence. VCF-style (leftmost placement, unchanged base first): chrX-11298274-AC-A. GRCh37 (hg19) VCF-style: chrX-11316394-AC-A.
Other names: c.185del, p.Pro62fs (NM_182680.1); c.95del, p.Pro32fs (NM_182681.1); c.589-43568del (NM_013427.3, NM_006125.3); c.49-43568del (NM_001287242.2); short protein forms P32fs, P48fs, P62fs.
Identifiers: ClinVar variation 617639 (VCV000617639.4), dbSNP rs1603038146, ClinGen allele CA915952321.

ClinVar aggregate classification (germline): Pathogenic (0 of 4 stars; one submission).

Conditions:
Amelogenesis imperfecta (AI). Also called: Congenital enamel hypoplasia. Identifiers: Orphanet 88661, MedGen C0002452, MONDO:0019507, HP:0000705.

Submission:

The Fourth Military Medical University, School of Stomatology
Classification: Pathogenic for Amelogenesis imperfecta. Last evaluated: 2018-07-24. Review status: no assertion criteria provided. Collection method: research. Allele origin: inherited. Inheritance: X-linked inheritance. Affected: yes. Observed: 3 variant alleles, 1 heterozygote, 1 homozygote, 1 hemizygote. Clinical features observed: Hemi/homo-phenotype, Heter-phenotype.